The following is an entry in ClinVar:

NM_000540.3(RYR1):c.5337C>G (p.Pro1779=)

Gene: RYR1 (ryanodine receptor 1; plus strand). Cytogenetic location: 19q13.2.
Variant type: single nucleotide variant.
Coding change: c.5337C>G on transcript NM_000540.3 (MANE Select); coding-DNA position 5337, C replaced by G.
Protein change: p.Pro1779=; no amino-acid change (proline 1779 retained).
Molecular consequence: synonymous variant.
Genome position (GRCh38, 1-based): chr19:38,485,992, C>G. VCF-style: chr19-38485992-C-G. GRCh37 (hg19) VCF-style: chr19-38976632-C-G.
Other names: c.5337C>G, p.Pro1779= (NM_001042723.2).
Identifiers: ClinVar variation 3074708 (VCV003074708.1), dbSNP rs2514229306, ClinGen allele CA507353395.
Genomic context (GRCh38, chr19:38,485,992, plus strand): 5'-GCATGGCCTGCCGGGAGTTGGAGTCACCACTTCGCTGAGGCCCCCGCATCATTTCTCGCC[C>G]CCCTGTTTCGTGGCCGCTCTGCCAGCTGCTGGGGCAGCAGAGGCCCCGGCCCGCCTCAGC-3'
Protein context (NP_000531.2, residues 1769-1789): TSLRPPHHFS[Pro1779=]PCFVAALPAA

ClinVar aggregate classification (germline): Likely benign (1 of 4 stars; one submission).

Conditions:
Malignant hyperthermia, susceptibility to, 1 (MHS1). Also called: Anesthesia related hyperthermia; Malignant hyperpyrexia; Fulminating hyperpyrexia; Pharmacogenic myopathy; RYR1-Related Malignant Hyperthermia Susceptibility; Malignant hyperthermia suceptibility 1. Identifiers: Orphanet 423, MedGen C2930980, MONDO:0007783, OMIM 145600.

Submission:

All of Us Research Program, National Institutes of Health
Classification: Likely benign for Malignant hyperthermia, susceptibility to, 1. Last evaluated: 2023-11-20. Review status: criteria provided, single submitter. Criteria: ACMG Guidelines, 2015. Collection method: clinical testing. Allele origin: germline. Inheritance: Autosomal dominant inheritance. Observed: 1 variant allele, 1 heterozygote.
Comment: This study involves interpretation of variants in research participants for the purpose of population health screening. Participant phenotype was not available at the time of variant classification. Additional details can be found in publication PMID: 35346344, PMCID: PMC8962531